The following is an entry in ClinVar:

ClinVar aggregate classification (germline): Likely benign. Review status: criteria provided, single submitter (1 of 4 stars). 2 submissions from 2 submitters: Likely benign (1). 1 of the submissions does not count toward it. Last evaluated 2019-12-31.

Conditions:
NOS1-related disorder. Also called: NOS1-related condition.

Allele frequency attached by ClinVar (database versions not stated): 1000 Genomes Project 30x 0.00016; 1000 Genomes Project 0.00020; ESP Exome Variant Server 0.00046; gnomAD 0.00052 and 0.00057; ExAC 0.00063; TOPMed 0.00066; gnomAD exomes 0.00067 and 0.00071.
gnomAD v4.1: 1,103 of 1,612,522 alleles (0.068%); highest among the groups gnomAD compares: Admixed American, 0.088%; 2 homozygotes.

Submissions (2):

Labcorp Genetics (formerly Invitae), Labcorp
Classification: Likely benign. Last evaluated: 2019-12-31. Review status: criteria provided, single submitter. Criteria: Invitae Variant Classification Sherloc (09022015). Collection method: clinical testing. Allele origin: germline.

PreventionGenetics, part of Exact Sciences
Classification: Likely benign for NOS1-related condition. Last evaluated: 2019-08-06. Review status: no assertion criteria provided. Collection method: clinical testing. Allele origin: germline. Not counted in ClinVar's aggregate classification.
Comment: This variant is classified as likely benign based on ACMG/AMP sequence variant interpretation guidelines (Richards et al. 2015 PMID: 25741868, with internal and published modifications).

NM_000620.5(NOS1):c.3330G>A (p.Thr1110=)

Gene: NOS1 (nitric oxide synthase 1; minus strand). Cytogenetic location: 12q24.22.
Variant type: single nucleotide variant.
Coding change: c.3330G>A on transcript NM_000620.5 (MANE Select); coding-DNA position 3330, G replaced by A.
Protein change: p.Thr1110=; no amino-acid change (threonine 1110 retained).
Molecular consequence: synonymous variant.
Genome position (GRCh38, 1-based): chr12:117,232,037, C>T on the plus strand (G>A on the coding strand, the complement: NOS1 is on the minus strand). VCF-style: chr12-117232037-C-T. GRCh37 (hg19) VCF-style: chr12-117669842-C-T.
Other names: c.2322G>A, p.Thr774= (NM_001204213.2, NM_001204214.2); c.3432G>A, p.Thr1144= (NM_001204218.2); c.3432G>A (NM_001204218.1).
Identifiers: ClinVar variation 717479 (VCV000717479.6), dbSNP rs77927749, ClinGen allele CA6814531.